The following is an entry in ClinVar:

NM_017849.4(TMEM127):c.418T>A (p.Cys140Ser)

Gene: TMEM127 (transmembrane protein 127; minus strand). Cytogenetic location: 2q11.2.
Variant type: single nucleotide variant.
Coding change: c.418T>A on transcript NM_017849.4 (MANE Select); coding-DNA position 418, T replaced by A.
Protein change: p.Cys140Ser; replaces cysteine 140 with serine.
Molecular consequence: missense variant.
Genome position (GRCh38, 1-based): chr2:96,254,107, A>T on the plus strand (T>A on the coding strand, the complement: TMEM127 is on the minus strand). VCF-style: chr2-96254107-A-T. GRCh37 (hg19) VCF-style: chr2-96919845-A-T.
Other names: c.418T>A, p.Cys140Ser (NM_001193304.3); c.166T>A, p.Cys56Ser (NM_001407282.1, NM_001407283.1); short protein forms C140S, C56S.
Identifiers: ClinVar variation 2810124 (VCV002810124.3), dbSNP rs121908827, ClinGen allele CA347653174.

ClinVar aggregate classification (germline): Uncertain significance (1 of 4 stars; one submission).

Conditions:
Hereditary pheochromocytoma and paraganglioma. Also called: Hereditary Paraganglioma-Pheochromocytoma Syndromes; Hereditary pheochromocytoma-paraganglioma; Hereditary paragangliomas and pheochromocytomas. Identifiers: Orphanet 29072, MedGen C4274332, MONDO:0017366.

Submission:

Labcorp Genetics (formerly Invitae), Labcorp
Classification: Uncertain significance for Hereditary pheochromocytoma and paraganglioma. Last evaluated: 2022-10-27. Review status: criteria provided, single submitter. Criteria: Invitae Variant Classification Sherloc (09022015). Collection method: clinical testing. Allele origin: germline.
Comment: In summary, the available evidence is currently insufficient to determine the role of this variant in disease. Therefore, it has been classified as a Variant of Uncertain Significance. Algorithms developed to predict the effect of missense changes on protein structure and function (SIFT, PolyPhen-2, Align-GVGD) all suggest that this variant is likely to be disruptive. This variant has not been reported in the literature in individuals affected with TMEM127-related conditions. This variant is not present in population databases (gnomAD no frequency). This sequence change replaces cysteine, which is neutral and slightly polar, with serine, which is neutral and polar, at codon 140 of the TMEM127 protein (p.Cys140Ser).